The following is an entry in ClinVar:

NC_000002.11:g.(?_179550235)_(179550335_?)del

Gene: TTN (titin; minus strand). Cytogenetic location: 2q31.2.
Variant type: Deletion.
Identifiers: ClinVar variation 999345 (VCV000999345.3).

ClinVar aggregate classification (germline): Uncertain significance (1 of 4 stars; one submission).

Conditions:
Dilated cardiomyopathy 1G (CMD1G). Identifiers: Orphanet 154, MedGen C1858763, MONDO:0011400, OMIM 604145.
Autosomal recessive limb-girdle muscular dystrophy type 2J (LGMDR10). Also called: Limb-girdle muscular dystrophy, type 2J; MUSCULAR DYSTROPHY, LIMB-GIRDLE, AUTOSOMAL RECESSIVE 10. Identifiers: Orphanet 140922, MedGen C1837342, MONDO:0012127, OMIM 608807.

Submission:

Labcorp Genetics (formerly Invitae), Labcorp
Classification: Uncertain significance for Dilated cardiomyopathy 1G; Autosomal recessive limb-girdle muscular dystrophy type 2J. Last evaluated: 2020-07-03. Review status: criteria provided, single submitter. Criteria: Invitae Variant Classification Sherloc (09022015). Collection method: clinical testing. Allele origin: germline.
Comment: Experimental studies and prediction algorithms are not available or were not evaluated, and the functional significance of this variant is currently unknown. In summary, the available evidence is currently insufficient to determine the role of this variant in disease. Therefore, it has been classified as a Variant of Uncertain Significance. This variant has not been reported in the literature in individuals with TTN-related conditions. This variant is an in-frame deletion of the genomic region encompassing exon(s) 128 of the TTN gene. It preserves the integrity of the reading frame.